The following is an entry in ClinVar:

ClinVar aggregate classification (germline): Conflicting classifications of pathogenicity. Review status: criteria provided, conflicting classifications (1 of 4 stars). 9 submissions from 9 submitters: Uncertain significance (4); Benign (1); Likely benign (3). 1 of the submissions does not count toward it. Last evaluated 2026-10-07.

Conditions:
NOTCH1-related disorder. Also called: NOTCH1-related condition; NOTCH1-related disorders.
Aortic valve disease 1 (AOVD1). Identifiers: MedGen C3887892, MONDO:0024523, OMIM 109730.
Adams-Oliver syndrome 5 (AOS5). Identifiers: Orphanet 974, MedGen C4014970, MONDO:0014459, OMIM 616028.
Familial thoracic aortic aneurysm and aortic dissection (TAAD). Also called: Thoracic aortic aneurysms and dissections. Identifiers: Orphanet 91387, MedGen C4707243, MONDO:0019625.

Allele frequency attached by ClinVar (database versions not stated): ESP Exome Variant Server 0.00008; gnomAD 0.00010 and 0.00013; TOPMed 0.00013; 1000 Genomes Project 30x 0.00016; ExAC 0.00016; 1000 Genomes Project 0.00020; gnomAD exomes 0.00020.
gnomAD v4.1: 223 of 1,612,216 alleles (0.014%); highest among the groups gnomAD compares: Middle Eastern, 0.13%; 2 homozygotes.

Submissions (9):

GeneDx
Classification: Uncertain significance. Last evaluated: 2026-10-07. Review status: criteria provided, single submitter. Criteria: GeneDx Variant Classification Process June 2021. Collection method: clinical testing. Allele origin: germline.
Comment: In silico analysis supports that this missense variant has a deleterious effect on protein structure/function; Has not been previously published as pathogenic or benign to our knowledge

Labcorp Genetics (formerly Invitae), Labcorp
Classification: Likely benign for Adams-Oliver syndrome 5. Last evaluated: 2026-01-25. Review status: criteria provided, single submitter. Criteria: Invitae Variant Classification Sherloc (09022015). Collection method: clinical testing. Allele origin: germline.

Ambry Genetics
Classification: Uncertain significance for Familial thoracic aortic aneurysm and aortic dissection. Last evaluated: 2025-10-29. Review status: criteria provided, single submitter. Criteria: Ambry Variant Classification Scheme 2023. Collection method: clinical testing. Allele origin: germline.
Comment: The p.T432M variant (also known as c.1295C>T), located in coding exon 8 of the NOTCH1 gene, results from a C to T substitution at nucleotide position 1295. The threonine at codon 432 is replaced by methionine, an amino acid with similar properties. This amino acid position is highly conserved in available vertebrate species. In addition, this alteration is predicted to be deleterious by in silico analysis. Since supporting evidence is limited at this time, the clinical significance of this alteration remains unclear.

CeGaT Center for Human Genetics Tuebingen
Classification: Likely benign. Last evaluated: 2025-04-01. Review status: criteria provided, single submitter. Criteria: CeGaT Center For Human Genetics Tuebingen Variant Classification Criteria Version 2. Collection method: clinical testing. Allele origin: germline. Affected: yes. Observed: 2 variant alleles.
Comment: NOTCH1: BS1

Blueprint Genetics
Classification: Likely benign. Last evaluated: 2024-11-27. Review status: criteria provided, single submitter. Criteria: ACMG Guidelines, 2015. Collection method: clinical testing. Allele origin: germline.

Women's Health and Genetics/Laboratory Corporation of America, LabCorp
Classification: Benign. Last evaluated: 2024-06-26. Review status: criteria provided, single submitter. Criteria: LabCorp Variant Classification Summary - May 2015. Collection method: clinical testing. Allele origin: germline.
Comment: Variant summary: NOTCH1 c.1295C>T (p.Thr432Met) results in a non-conservative amino acid change located in an EGF-like calcium-binding repeat domain (IPR049883) of the encoded protein sequence. Four of four in-silico tools predict a damaging effect of the variant on protein function. The variant allele was found at a frequency of 0.00013 in 1605242 control chromosomes in the gnomAD database, including 2 homozygotes. The observed variant frequency is approximately 215-fold of the estimated maximal expected allele frequency for a pathogenic variant in NOTCH1 causing Adams-Oliver Syndrome 5 phenotype (6.3e-07). To our knowledge, no occurrence of c.1295C>T in individuals affected with Adams-Oliver Syndrome 5 and no experimental evidence demonstrating its impact on protein function have been reported. ClinVar contains an entry for this variant (Variation ID: 520096). Based on the evidence outlined above, the variant was classified as benign.

CHEO Genetics Diagnostic Laboratory, Children's Hospital of Eastern Ontario
Classification: Uncertain significance for Familial thoracic aortic aneurysm and aortic dissection. Last evaluated: 2022-11-07. Review status: criteria provided, single submitter. Criteria: ACMG Guidelines, 2015. Collection method: clinical testing. Allele origin: germline.

Fulgent Genetics
Classification: Uncertain significance for Aortic valve disease 1; Adams-Oliver syndrome 5. Last evaluated: 2018-10-31. Review status: criteria provided, single submitter. Criteria: ACMG Guidelines, 2015. Collection method: clinical testing. Allele origin: unknown.

PreventionGenetics, part of Exact Sciences
Classification: Likely benign for NOTCH1-related condition. Last evaluated: 2024-09-09. Review status: no assertion criteria provided. Collection method: clinical testing. Allele origin: germline. Not counted in ClinVar's aggregate classification.
Comment: This variant is classified as likely benign based on ACMG/AMP sequence variant interpretation guidelines (Richards et al. 2015 PMID: 25741868, with internal and published modifications).

NM_017617.5(NOTCH1):c.1295C>T (p.Thr432Met)

Gene: NOTCH1 (notch receptor 1; minus strand). Cytogenetic location: 9q34.3.
Variant type: single nucleotide variant.
Coding change: c.1295C>T on transcript NM_017617.5 (MANE Select); coding-DNA position 1295, C replaced by T.
Protein change: p.Thr432Met; replaces threonine 432 with methionine.
Molecular consequence: missense variant.
Genome position (GRCh38, 1-based): chr9:136,517,898, G>A on the plus strand (C>T on the coding strand, the complement: NOTCH1 is on the minus strand). VCF-style: chr9-136517898-G-A. GRCh37 (hg19) VCF-style: chr9-139412350-G-A.
Other names: c.1295C>T (NM_017617.4); c.1295C>T, p.Thr432Met (LRG_1122t1); short protein forms T432M.
Identifiers: ClinVar variation 520096 (VCV000520096.42), dbSNP rs200562991, ClinGen allele CA5341838.